The following is an entry in ClinVar:

NM_020821.3(VPS13C):c.8620A>G (p.Ile2874Val)

Gene: VPS13C (vacuolar protein sorting 13 homolog C; minus strand). Cytogenetic location: 15q22.2.
Variant type: single nucleotide variant.
Coding change: c.8620A>G on transcript NM_020821.3 (MANE Select); coding-DNA position 8620, A replaced by G.
Protein change: p.Ile2874Val; replaces isoleucine 2874 with valine.
Molecular consequence: missense variant.
Genome position (GRCh38, 1-based): chr15:61,911,935, T>C on the plus strand (A>G on the coding strand, the complement: VPS13C is on the minus strand). VCF-style: chr15-61911935-T-C. GRCh37 (hg19) VCF-style: chr15-62204134-T-C.
Other names: c.8620A>G, p.Ile2874Val (NM_001018088.3); c.8491A>G, p.Ile2831Val (NM_017684.5, NM_018080.4); short protein forms I2831V, I2874V.
Identifiers: ClinVar variation 2191673 (VCV002191673.4), dbSNP rs762787145, ClinGen allele CA7594930.

ClinVar aggregate classification (germline): Uncertain significance (1 of 4 stars; one submission).

Allele frequency attached by ClinVar (database versions not stated): ExAC 0.00002; TOPMed 0.00002; gnomAD exomes 0.00003.
gnomAD v4.1: 49 of 1,612,986 alleles (0.003%); highest among the groups gnomAD compares: Non-Finnish European, 0.0033%; no homozygotes.

Submission:

Labcorp Genetics (formerly Invitae), Labcorp
Classification: Uncertain significance. Last evaluated: 2022-01-21. Review status: criteria provided, single submitter. Criteria: Invitae Variant Classification Sherloc (09022015). Collection method: clinical testing. Allele origin: germline.
Comment: In summary, the available evidence is currently insufficient to determine the role of this variant in disease. Therefore, it has been classified as a Variant of Uncertain Significance. Algorithms developed to predict the effect of missense changes on protein structure and function output the following: SIFT: "Tolerated"; PolyPhen-2: "Benign"; Align-GVGD: "Class C0". The valine amino acid residue is found in multiple mammalian species, which suggests that this missense change does not adversely affect protein function. This variant has not been reported in the literature in individuals affected with VPS13C-related conditions. This variant is present in population databases (rs762787145, gnomAD 0.02%). This sequence change replaces isoleucine, which is neutral and non-polar, with valine, which is neutral and non-polar, at codon 2874 of the VPS13C protein (p.Ile2874Val).